The following is an entry in ClinVar:

NM_001130823.3(DNMT1):c.3163A>G (p.Ile1055Val)

Gene: DNMT1 (DNA methyltransferase 1; minus strand). Cytogenetic location: 19p13.2.
Variant type: single nucleotide variant.
Coding change: c.3163A>G on transcript NM_001130823.3 (MANE Select); coding-DNA position 3163, A replaced by G.
Protein change: p.Ile1055Val; replaces isoleucine 1055 with valine.
Molecular consequence: missense variant.
Genome position (GRCh38, 1-based): chr19:10,142,174, T>C on the plus strand (A>G on the coding strand, the complement: DNMT1 is on the minus strand). VCF-style: chr19-10142174-T-C. GRCh37 (hg19) VCF-style: chr19-10252850-T-C.
Other names: c.3115A>G, p.Ile1039Val (NM_001318730.2, NM_001379.4); c.2800A>G, p.Ile934Val (NM_001318731.2); short protein forms I1055V, I1039V, I934V.
Identifiers: ClinVar variation 1403380 (VCV001403380.21), dbSNP rs754199607, ClinGen allele CA9187826.
Genomic context (GRCh38, chr19:10,142,174, plus strand): 5'-GGCCCTGCACAGCCTTGAAGTCCACCACGGCCTCCTCGTCGCTCCAGTAGAGCAGGTTGA[T>C]GTCTGCGTGGTAGCTCGCTGGAGTGGACTTGTGGGTGTTCTCAGGCCTGCGAGCGGGAGA-3'
Protein context (NP_001124295.1, residues 1045-1065): KSTPASYHAD[Ile1055Val]NLLYWSDEEA

ClinVar aggregate classification (germline): Conflicting classifications of pathogenicity. Review status: criteria provided, conflicting classifications (1 of 4 stars). 2 submissions from 2 submitters: Uncertain significance (1); Likely benign (1). Last evaluated 2024-12-01.

Conditions:
Hereditary sensory neuropathy-deafness-dementia syndrome. Also called: NEUROPATHY, HEREDITARY SENSORY, WITH HEARING LOSS AND DEMENTIA; Hereditary sensory neuropathy type IE; HSN IE; Hereditary Sensory and Autonomic Neuropathy Type 1E (HSAN1E). Identifiers: Orphanet 456318, MedGen C3279885, MONDO:0013584, OMIM 614116.

Allele frequency attached by ClinVar (database versions not stated): ExAC 0.00001; gnomAD 0.00001; gnomAD exomes 0.00001; TOPMed 0.00002.
gnomAD v4.1: 5 of 1,613,932 alleles (0.00031%); highest among the groups gnomAD compares: Non-Finnish European, 0.00042%; no homozygotes.

Submissions (2):

CeGaT Center for Human Genetics Tuebingen
Classification: Likely benign. Last evaluated: 2024-12-01. Review status: criteria provided, single submitter. Criteria: CeGaT Center For Human Genetics Tuebingen Variant Classification Criteria Version 2. Collection method: clinical testing. Allele origin: germline. Affected: yes. Observed: 1 variant allele.
Comment: DNMT1: BP4

Labcorp Genetics (formerly Invitae), Labcorp
Classification: Uncertain significance for Hereditary sensory neuropathy-deafness-dementia syndrome. Last evaluated: 2021-08-27. Review status: criteria provided, single submitter. Criteria: Invitae Variant Classification Sherloc (09022015). Collection method: clinical testing. Allele origin: germline.
Comment: In summary, the available evidence is currently insufficient to determine the role of this variant in disease. Therefore, it has been classified as a Variant of Uncertain Significance. Algorithms developed to predict the effect of missense changes on protein structure and function (SIFT, PolyPhen-2, Align-GVGD) all suggest that this variant is likely to be tolerated, but these predictions have not been confirmed by published functional studies and their clinical significance is uncertain. This variant has not been reported in the literature in individuals with DNMT1-related conditions. This variant is present in population databases (rs754199607, ExAC 0.002%). This sequence change replaces isoleucine with valine at codon 1055 of the DNMT1 protein (p.Ile1055Val). The isoleucine residue is highly conserved and there is a small physicochemical difference between isoleucine and valine.